The following is an entry in ClinVar:

ClinVar aggregate classification (germline): Uncertain significance (1 of 4 stars; one submission).

Conditions:
Capillary malformation-arteriovenous malformation syndrome. Also called: Capillary malformation-arteriovenous malformation. Identifiers: Orphanet 137667, MedGen C1842180, MONDO:0012016.

Allele frequency attached by ClinVar (database versions not stated): gnomAD exomes 0.00001.
gnomAD v4.1: 4 of 1,608,230 alleles (0.00025%); highest among the groups gnomAD compares: East Asian, 0.0045%; no homozygotes.

Submission:

Labcorp Genetics (formerly Invitae), Labcorp
Classification: Uncertain significance for Capillary malformation-arteriovenous malformation syndrome. Last evaluated: 2025-08-09. Review status: criteria provided, single submitter. Criteria: Invitae Variant Classification Sherloc (09022015). Collection method: clinical testing. Allele origin: germline.
Comment: This sequence change replaces aspartic acid, which is acidic and polar, with asparagine, which is neutral and polar, at codon 421 of the RASA1 protein (p.Asp421Asn). This variant is not present in population databases (gnomAD no frequency). This variant has not been reported in the literature in individuals affected with RASA1-related conditions. ClinVar contains an entry for this variant (Variation ID: 2882445). An algorithm developed to predict the effect of missense changes on protein structure and function (PolyPhen-2) suggests that this variant is likely to be disruptive. In summary, the available evidence is currently insufficient to determine the role of this variant in disease. Therefore, it has been classified as a Variant of Uncertain Significance.

NM_002890.3(RASA1):c.1261G>A (p.Asp421Asn)

Genes: CCNH (cyclin H; minus strand), RASA1 (RAS p21 protein activator 1; plus strand). Cytogenetic location: 5q14.3.
Variant type: single nucleotide variant.
Coding change: c.1261G>A on transcript NM_002890.3 (MANE Select); coding-DNA position 1261, G replaced by A.
Protein change: p.Asp421Asn; replaces aspartic acid 421 with asparagine.
Molecular consequence: missense variant. On other transcripts: intron variant (1).
Genome position (GRCh38, 1-based): chr5:87,353,164, G>A. VCF-style: chr5-87353164-G-A. GRCh37 (hg19) VCF-style: chr5-86648981-G-A.
Other names: c.730G>A, p.Asp244Asn (NM_022650.3); c.934-40369C>T (NM_001364075.2); short protein forms D244N, D421N.
Identifiers: ClinVar variation 2882445 (VCV002882445.3), dbSNP rs768076323, ClinGen allele CA360364954.